The following is an entry in ClinVar:

ClinVar aggregate classification (germline): Uncertain significance. Review status: criteria provided, multiple submitters, no conflicts (2 of 4 stars). 2 submissions from 2 submitters: Uncertain significance (2). Last evaluated 2025-09-23.

Conditions:
Amyotrophic lateral sclerosis type 1 (ALS1). Also called: AMYOTROPHIC LATERAL SCLEROSIS 1, FAMILIAL. Identifiers: Orphanet 803, MedGen C1862939, MONDO:0007103, OMIM 105400.
Perry syndrome. Also called: PARKINSONISM WITH ALVEOLAR HYPOVENTILATION AND MENTAL DEPRESSION. Identifiers: Orphanet 178509, MedGen C1868594, MONDO:0008201, OMIM 168605.
Neuronopathy, distal hereditary motor, type 7B. Also called: NEURONOPATHY, DISTAL HEREDITARY MOTOR, AUTOSOMAL DOMINANT 14; NEURONOPATHY, DISTAL HEREDITARY MOTOR, HARDING TYPE VIIB; NEUROPATHY, DISTAL HEREDITARY MOTOR, HARDING TYPE VIIB; NEUROPATHY, DISTAL HEREDITARY MOTOR, WITH VOCAL CORD PARALYSIS, HARDING TYPE VIIB; HMN VIIB; LOWER MOTOR NEURON DISEASE, DYNACTIN TYPE. Identifiers: Orphanet 139589, MedGen C1843315, MONDO:0011879, OMIM 607641.

Allele frequency attached by ClinVar (database versions not stated): ExAC 0.00001; gnomAD exomes 0.00001; gnomAD 0.00005 and 0.00006; TOPMed 0.00006.
gnomAD v4.1: 25 of 1,613,994 alleles (0.0015%); highest among the groups gnomAD compares: African/African-American, 0.013%; no homozygotes.

Submissions (2):

Labcorp Genetics (formerly Invitae), Labcorp
Classification: Uncertain significance for Amyotrophic lateral sclerosis type 1; Neuronopathy, distal hereditary motor, type 7B; Perry syndrome. Last evaluated: 2025-09-23. Review status: criteria provided, single submitter. Criteria: Invitae Variant Classification Sherloc (09022015). Collection method: clinical testing. Allele origin: germline.
Comment: This sequence change replaces valine, which is neutral and non-polar, with alanine, which is neutral and non-polar, at codon 1243 of the DCTN1 protein (p.Val1243Ala). The frequency data for this variant in the population databases is considered unreliable, as metrics indicate poor data quality at this position in the gnomAD database. This variant has not been reported in the literature in individuals affected with DCTN1-related conditions. ClinVar contains an entry for this variant (Variation ID: 665455). Invitae Evidence Modeling of protein sequence and biophysical properties (such as structural, functional, and spatial information, amino acid conservation, physicochemical variation, residue mobility, and thermodynamic stability) indicates that this missense variant is not expected to disrupt DCTN1 protein function with a negative predictive value of 95%. In summary, the available evidence is currently insufficient to determine the role of this variant in disease. Therefore, it has been classified as a Variant of Uncertain Significance.

Women's Health and Genetics/Laboratory Corporation of America, LabCorp
Classification: Uncertain significance. Last evaluated: 2025-09-04. Review status: criteria provided, single submitter. Criteria: LabCorp Variant Classification Summary - May 2015. Collection method: clinical testing. Allele origin: germline.
Comment: Variant summary: DCTN1 c.3728T>C (p.Val1243Ala) results in a non-conservative amino acid change in the encoded protein sequence. Algorithms developed to predict the effect of missense changes on protein structure and function are either unavailable or do not agree on the potential impact of this missense change. The variant allele was found at a frequency of 8e-06 in 251366 control chromosomes. The available data on variant occurrences in the general population are insufficient to allow any conclusion about variant significance. To our knowledge, no occurrence of c.3728T>C in individuals affected with DCTN1-related conditions and no experimental evidence demonstrating its impact on protein function have been reported. ClinVar contains an entry for this variant (Variation ID: 665455). Based on the evidence outlined above, the variant was classified as uncertain significance.

NM_004082.5(DCTN1):c.3728T>C (p.Val1243Ala)

Gene: DCTN1 (dynactin subunit 1; minus strand). Cytogenetic location: 2p13.1.
Variant type: single nucleotide variant.
Coding change: c.3728T>C on transcript NM_004082.5 (MANE Select); coding-DNA position 3728, T replaced by C.
Protein change: p.Val1243Ala; replaces valine 1243 with alanine.
Molecular consequence: missense variant. On other transcripts: non-coding transcript variant (1).
Genome position (GRCh38, 1-based): chr2:74,361,608, A>G on the plus strand (T>C on the coding strand, the complement: DCTN1 is on the minus strand). VCF-style: chr2-74361608-A-G. GRCh37 (hg19) VCF-style: chr2-74588735-A-G.
Other names: c.3653T>C, p.Val1218Ala (NM_001135040.3); c.3311T>C, p.Val1104Ala (NM_001135041.3); c.3602T>C, p.Val1201Ala (NM_001190836.2); c.3707T>C, p.Val1236Ala (NM_001190837.2); c.3677T>C, p.Val1226Ala (NM_001378991.1); c.3659T>C, p.Val1220Ala (NM_001378992.1); c.3326T>C, p.Val1109Ala (NM_023019.4); short protein forms V1109A, V1243A, V1201A, V1236A, V1104A, V1218A, V1220A, V1226A.
Identifiers: ClinVar variation 665455 (VCV000665455.12), dbSNP rs762752851, ClinGen allele CA1721360.
Genomic context (GRCh38, chr2:74,361,608, plus strand): 5'-ACCAGCCGGTGTCGCTGTCCAAAACCAGCCGCACATGAGAAGGTCACTTTGCCCATGTAG[A>G]CTGTGTCATCCTGCTGCTCCTCCTTGGCCTGGTGGTTGATGAGGAGAAAAAGACTCCAGG-3'
Protein context (NP_004073.2, residues 1233-1253): RAKEEQQDDT[Val1243Ala]YMGKVTFSCA